The following is an entry in ClinVar:

ClinVar aggregate classification (germline): Uncertain significance (1 of 4 stars; one submission).

Submission:

Labcorp Genetics (formerly Invitae), Labcorp
Classification: Uncertain significance. Last evaluated: 2022-02-10. Review status: criteria provided, single submitter. Criteria: Invitae Variant Classification Sherloc (09022015). Collection method: clinical testing. Allele origin: germline.
Comment: In summary, the available evidence is currently insufficient to determine the role of this variant in disease. Therefore, it has been classified as a Variant of Uncertain Significance. Algorithms developed to predict the effect of sequence changes on RNA splicing suggest that this variant may disrupt the consensus splice site. This variant has not been reported in the literature in individuals affected with OPN1SW-related conditions. This variant is not present in population databases (gnomAD no frequency). This sequence change affects a splice site in intron 1 of the OPN1SW gene. It is expected to disrupt RNA splicing. Variants that disrupt the donor or acceptor splice site typically lead to a loss of protein function (PMID: 16199547), however the current clinical and genetic evidence is not sufficient to establish whether loss-of-function variants in OPN1SW cause disease.

Literature cited by the submitters: PubMed 16199547.

NM_001385125.1(OPN1SW):c.343+2_343+6del

Gene: OPN1SW (opsin 1, short wave sensitive; minus strand). Cytogenetic location: 7q32.1.
Variant type: Deletion.
Coding change: c.343+2_343+6del on transcript NM_001385125.1 (MANE Select); the canonical splice donor site of the intron after coding-DNA position 343 through 6 bases into the intron after coding-DNA position 343, 5 bases deleted (TACTG; older notation c.343+2_343+6delTACTG).
Molecular consequence: splice donor variant.
Genome position (GRCh38, 1-based): chr7:128,775,433-128,775,437, CAGTA deleted on the plus strand (TACTG on the coding strand, the reverse complement: OPN1SW is on the minus strand); deleting any 5 consecutive bases within chr7:128,775,433-128,775,438 gives the same sequence; the c. name uses the placement nearest the transcript's 3' end. VCF-style (leftmost placement, unchanged base first): chr7-128775432-GCAGTA-G. GRCh37 (hg19) VCF-style: chr7-128415486-GCAGTA-G.
Identifiers: ClinVar variation 1512676 (VCV001512676.6), dbSNP rs2128886240, ClinGen allele CA2573141701.